The following is an entry in ClinVar:

ClinVar aggregate classification (germline): Benign/Likely benign. Review status: criteria provided, multiple submitters, no conflicts (2 of 4 stars). 4 submissions from 4 submitters: Benign (2); Likely benign (2). Last evaluated 2026-01-27.

Conditions:
Nephrotic syndrome, type 6 (NPHS6). Identifiers: Orphanet 656, MedGen C3280100, MONDO:0013619, OMIM 614196.

Submissions (4):

Labcorp Genetics (formerly Invitae), Labcorp
Classification: Benign. Last evaluated: 2026-01-27. Review status: criteria provided, single submitter. Criteria: Invitae Variant Classification Sherloc (09022015). Collection method: clinical testing. Allele origin: germline.

Blueprint Genetics
Classification: Likely benign. Last evaluated: 2024-11-25. Review status: criteria provided, single submitter. Criteria: ACMG Guidelines, 2015. Collection method: clinical testing. Allele origin: germline.

Mayo Clinic Laboratories, Mayo Clinic
Classification: Likely benign. Last evaluated: 2024-10-26. Review status: criteria provided, single submitter. Criteria: ACMG Guidelines, 2015. Collection method: clinical testing. Allele origin: germline. Observed: 4 variant alleles.
Comment: BS1, BP4, BP7

Fulgent Genetics
Classification: Benign for Nephrotic syndrome, type 6. Last evaluated: 2021-08-12. Review status: criteria provided, single submitter. Criteria: ACMG Guidelines, 2015. Collection method: clinical testing. Allele origin: unknown.

NM_030667.3(PTPRO):c.2997+18del

Gene: PTPRO (protein tyrosine phosphatase receptor type O; plus strand). Cytogenetic location: 12p12.3.
Variant type: Deletion.
Coding change: c.2997+18del on transcript NM_030667.3 (MANE Select); 18 bases into the intron after coding-DNA position 2997, one base deleted (A; older notation c.2997+18delA).
Molecular consequence: intron variant.
Genome position (GRCh38, 1-based): chr12:15,580,133, A deleted; the last of 10 consecutive A bases (chr12:15,580,124-15,580,133); deleting any one gives the same sequence. VCF-style (leftmost placement, unchanged base first): chr12-15580123-GA-G. GRCh37 (hg19) VCF-style: chr12-15733057-GA-G.
Other names: p.?; c.2913+18del (NM_002848.4); c.564+18del (NM_030671.3, NM_030669.3); c.480+18del (NM_030670.3, NM_030668.3).
Identifiers: ClinVar variation 1625997 (VCV001625997.11), dbSNP rs751345733, ClinGen allele CA6467044.